The following is an entry in ClinVar:

NM_006445.4(PRPF8):c.2389-6T>G

Gene: PRPF8 (pre-mRNA processing factor 8; minus strand). Cytogenetic location: 17p13.3.
Variant type: single nucleotide variant.
Coding change: c.2389-6T>G on transcript NM_006445.4 (MANE Select); 6 bases into the intron before coding-DNA position 2389, T replaced by G.
Molecular consequence: intron variant.
Genome position (GRCh38, 1-based): chr17:1,676,376, A>C on the plus strand (T>G on the coding strand, the complement: PRPF8 is on the minus strand). VCF-style: chr17-1676376-A-C. GRCh37 (hg19) VCF-style: chr17-1579670-A-C.
Identifiers: ClinVar variation 2498015 (VCV002498015.1), dbSNP rs2543768363, ClinGen allele CA2580092458.

ClinVar aggregate classification (germline): Uncertain significance (1 of 4 stars; one submission).

Submission:

GeneDx
Classification: Uncertain significance. Last evaluated: 2022-10-05. Review status: criteria provided, single submitter. Criteria: GeneDx Variant Classification Process June 2021. Collection method: clinical testing. Allele origin: germline. Affected: yes.
Comment: Not observed at significant frequency in large population cohorts (gnomAD); In silico analysis suggests this variant may impact gene splicing. In the absence of RNA/functional studies, the actual effect of this sequence change is unknown.; Has not been previously published as pathogenic or benign to our knowledge